The following is an entry in ClinVar:

NM_006245.4(PPP2R5D):c.752A>C (p.Asp251Ala)

Gene: PPP2R5D (protein phosphatase 2 regulatory subunit B'delta; plus strand). Cytogenetic location: 6p21.1.
Variant type: single nucleotide variant.
Coding change: c.752A>C on transcript NM_006245.4 (MANE Select); coding-DNA position 752, A replaced by C.
Protein change: p.Asp251Ala; replaces aspartic acid 251 with alanine.
Molecular consequence: missense variant.
Genome position (GRCh38, 1-based): chr6:43,007,960, A>C. VCF-style: chr6-43007960-A-C. GRCh37 (hg19) VCF-style: chr6-42975698-A-C.
Other names: c.299A>C, p.Asp100Ala (NM_001270476.2); c.656A>C, p.Asp219Ala (NM_180976.3); c.434A>C, p.Asp145Ala (NM_180977.3); short protein forms D251A, D100A, D219A, D145A.
Identifiers: ClinVar variation 521616 (VCV000521616.21), dbSNP rs1064794719, ClinGen allele CA364189066.

ClinVar aggregate classification (germline): Pathogenic/Likely pathogenic. Review status: criteria provided, multiple submitters, no conflicts (2 of 4 stars). 10 submissions from 10 submitters: Pathogenic (8); Likely pathogenic (1). 1 of the submissions does not count toward it. Last evaluated 2025-12-14.

Conditions:
Seizure. Also called: Seizures. Identifiers: MedGen C0036572, HP:0001250.
PPP2R5D-related disorder. Also called: PPP2R5D-related condition.
Inborn genetic diseases. Identifiers: MedGen C0950123, MeSH D030342.
Houge-Janssens syndrome 1. Also called: Hogue-Janssens syndrome 1; Intellectual disability-macrocephaly-hypotonia-behavioral abnormalities syndrome; INTELLECTUAL DEVELOPMENTAL DISORDER, AUTOSOMAL DOMINANT 35; PPP2R5D-Related Neurodevelopmental Disorder. Identifiers: Orphanet 457279, MedGen C5779996, MONDO:0014602, OMIM 616355.

Submissions (10):

3billion
Classification: Pathogenic for Houge-Janssens syndrome 1. Last evaluated: 2025-12-14. Review status: criteria provided, single submitter. Criteria: ACMG Guidelines, 2015. Collection method: clinical testing. Allele origin: germline. Affected: yes.
Comment: The variant is not observed in the gnomAD v4.1.0 dataset. Predicted Consequence/Location: Missense variant. Missense changes are a common disease-causing mechanism. In silico tool predictions suggest damaging effect of the variant on gene or gene product [REVEL: 0.79 (>=0.6, sensitivity 0.68 and specificity 0.92); 3Cnet: 0.99 (> 0.75, sensitivity 0.96 and precision 0.92)]. The same nucleotide change resulting in the same amino acid change has been previously reported as pathogenic/likely pathogenic with strong evidence (ClinVar ID: VCV000521616 /PMID: 28867141 /3billion dataset). The variant has been previously reported as de novo in a similarly affected individual (PMID: 28867141). Different missense changes at the same codon (p.Asp251Asn, p.Asp251His, p.Asp251Tyr, p.Asp251Val) have been reported as pathogenic/likely pathogenic with strong evidence (ClinVar ID: VCV000420814, VCV000984892, VCV000985406, VCV001685412 /PMID: 35586607, 36216457 /3billion dataset). Therefore, this variant is classified as Pathogenic according to the recommendation of ACMG/AMP guideline.

Clinical Genetics Laboratory, Skane University Hospital Lund
Classification: Pathogenic for Seizure. Last evaluated: 2024-10-15. Review status: criteria provided, single submitter. Criteria: ACMG Guidelines, 2015. Collection method: clinical testing. Allele origin: de novo. Inheritance: Autosomal dominant inheritance. Affected: yes.
Comment: ACMG criteria used: PS3 (PMID: 36216457), PS4, PM2, PP3

Blueprint Genetics
Classification: Likely pathogenic for PPP2R5D-related disorders. Last evaluated: 2024-02-22. Review status: criteria provided, single submitter. Criteria: ACMG Guidelines, 2015. Collection method: clinical testing. Allele origin: de novo. Affected: yes. Observed: 2 variant alleles.

Intergen Genetics and Rare Diseases Diagnosis Center
Classification: Pathogenic for Houge-Janssens syndrome 1. Last evaluated: 2023-06-13. Review status: criteria provided, single submitter. Criteria: ACMG Guidelines, 2015. Collection method: clinical testing. Allele origin: de novo. Inheritance: Autosomal dominant inheritance. Affected: yes. Observed: 1 heterozygote.

Labcorp Genetics (formerly Invitae), Labcorp
Classification: Pathogenic. Last evaluated: 2022-11-08. Review status: criteria provided, single submitter. Criteria: Invitae Variant Classification Sherloc (09022015). Collection method: clinical testing. Allele origin: germline.
Comment: This variant is not present in population databases (gnomAD no frequency). This sequence change replaces aspartic acid, which is acidic and polar, with alanine, which is neutral and non-polar, at codon 251 of the PPP2R5D protein (p.Asp251Ala). For these reasons, this variant has been classified as Pathogenic. This variant disrupts the p.Asp251 amino acid residue in PPP2R5D. Other variant(s) that disrupt this residue have been observed in individuals with PPP2R5D-related conditions (Invitae), which suggests that this may be a clinically significant amino acid residue. ClinVar contains an entry for this variant (Variation ID: 521616). This missense change has been observed in individual(s) with PPP2R5D-related conditions (PMID: 28867141, 32371413; Invitae). In at least one individual the variant was observed to be de novo. Algorithms developed to predict the effect of missense changes on protein structure and function (SIFT, PolyPhen-2, Align-GVGD) all suggest that this variant is likely to be disruptive.

Ambry Genetics
Classification: Pathogenic for Inborn genetic diseases. Last evaluated: 2022-08-09. Review status: criteria provided, single submitter. Criteria: Ambry Variant Classification Scheme 2023. Collection method: clinical testing. Allele origin: germline.
Comment: The c.752A>C (p.D251A) alteration is located in coding exon 7 of the PPP2R5D gene. This alteration results from a A to C substitution at nucleotide position 752, causing the aspartic acid (D) at amino acid position 251 to be replaced by an alanine (A). This variant was not reported in population-based cohorts in the Genome Aggregation Database (gnomAD). This variant was reported de novo in an individual with hypotonia, global developmental delay, multiple brain anomalies including abnormal corpus callosum and Arnold Chiari malformation, broad-based gait, tapered fingers, dysmorphic features, and recurrent respiratory infections (Lelieveld, 2017). In our internal cohort, this variant occurred de novo in one individual with intellectual disability, hypotonia, epilepsy, autism, and cone-rod dystrophy and a second individual with developmental delay, intellectual disability, myopia, and dysmorphic features (Ambry internal data). The in silico prediction for this alteration is inconclusive. Based on the available evidence, this alteration is classified as pathogenic.

GeneDx
Classification: Pathogenic. Last evaluated: 2022-02-08. Review status: criteria provided, single submitter. Criteria: GeneDx Variant Classification Process June 2021. Collection method: clinical testing. Allele origin: germline. Affected: yes.
Comment: Not observed at significant frequency in large population cohorts (gnomAD); In silico analysis supports that this missense variant has a deleterious effect on protein structure/function; This variant is associated with the following publications: (PMID: 28867141, 8703017, 26168268, 25972378, 25533962, 24896178, 23033978, 20017541, 26576547, 31785789, 33628804, 32371413)

Institute of Human Genetics Munich, TUM University Hospital
Classification: Pathogenic for Houge-Janssens syndrome 1. Last evaluated: 2021-01-26. Review status: criteria provided, single submitter. Criteria: Classification criteria August 2017. Collection method: clinical testing. Allele origin: de novo. Inheritance: Autosomal dominant inheritance. Affected: yes. Observed: 1 variant allele.

Institute for Genomic Medicine (IGM) Clinical Laboratory, Nationwide Children's Hospital
Classification: Pathogenic for Houge-Janssens syndrome 1. Last evaluated: 2017-08-15. Review status: criteria provided, single submitter. Criteria: ACMG Guidelines, 2015. Collection method: clinical testing. Allele origin: germline. Affected: yes.
Comment: [ACMG/AMP: PS2, PM2, PM5, PP2, PP3] This alteration is de novo in origin as it was not detected in the submitted parental specimens (identity confirmed) [PS2], is absent from or rarely observed in large-scale population databases [PM2], is a novel missense change at an amino residue where a different missense change has been deemed to be pathogenic [PM5], is a missense variant in a gene in which missense variants are a common mechanism of disease [PP2], is predicted to be damaging by multiple functional prediction tools [PP3].

Centre de Biologie Pathologie Génétique, Centre Hospitalier Universitaire de Lille
Classification: Pathogenic for Mental retardation, autosomal dominant 35. Last evaluated: 2019-01-01. Review status: no assertion criteria provided. Collection method: clinical testing. Allele origin: de novo. Affected: yes. Not counted in ClinVar's aggregate classification.

Literature cited by the submitters: PubMed 28867141 (cited by 3 submitters); PubMed 35586607 (cited by 3billion); PubMed 32371413 (cited by Labcorp Genetics (formerly Invitae), Labcorp); PubMed 19344873 (cited by Ambry Genetics).